The following is an entry in ClinVar:

NM_001363.5(DKC1):c.1398C>G (p.Ile466Met)

Gene: DKC1 (dyskerin pseudouridine synthase 1; plus strand). Cytogenetic location: Xq28.
Variant type: single nucleotide variant.
Coding change: c.1398C>G on transcript NM_001363.5 (MANE Select); coding-DNA position 1398, C replaced by G.
Protein change: p.Ile466Met; replaces isoleucine 466 with methionine.
Molecular consequence: missense variant. On other transcripts: 3 prime UTR variant (1), non-coding transcript variant (3).
Genome position (GRCh38, 1-based): chrX:154,776,246, C>G. VCF-style: chrX-154776246-C-G. GRCh37 (hg19) VCF-style: chrX-154004521-C-G.
Other names: c.1383C>G, p.Ile461Met (NM_001142463.3); c.*624C>G (NM_001288747.2); short protein forms I461M, I466M.
Identifiers: ClinVar variation 2993632 (VCV002993632.3), dbSNP rs2523708646, ClinGen allele CA414899717.

ClinVar aggregate classification (germline): Uncertain significance (1 of 4 stars; one submission).

Conditions:
Dyskeratosis congenita. Identifiers: Orphanet 1775, MedGen C0265965, MONDO:0015780.

Submission:

Labcorp Genetics (formerly Invitae), Labcorp
Classification: Uncertain significance for Dyskeratosis congenita. Last evaluated: 2023-05-05. Review status: criteria provided, single submitter. Criteria: Invitae Variant Classification Sherloc (09022015). Collection method: clinical testing. Allele origin: germline.
Comment: In summary, the available evidence is currently insufficient to determine the role of this variant in disease. Therefore, it has been classified as a Variant of Uncertain Significance. Advanced modeling of protein sequence and biophysical properties (such as structural, functional, and spatial information, amino acid conservation, physicochemical variation, residue mobility, and thermodynamic stability) performed at Invitae indicates that this missense variant is not expected to disrupt DKC1 protein function. This variant has not been reported in the literature in individuals affected with DKC1-related conditions. This variant is not present in population databases (gnomAD no frequency). This sequence change replaces isoleucine, which is neutral and non-polar, with methionine, which is neutral and non-polar, at codon 466 of the DKC1 protein (p.Ile466Met).